The following is an entry in ClinVar:

ClinVar aggregate classification (germline): Benign (1 of 4 stars; one submission).

Conditions:
H3-3B-related disorder. Also called: H3-3B-related condition.

Submission:

PreventionGenetics, part of Exact Sciences
Classification: Benign for H3-3B-related condition. Last evaluated: 2026-03-03. Review status: criteria provided, single submitter. Criteria: ACMG Guidelines, 2015. Collection method: clinical testing. Allele origin: germline.
Comment: This variant is classified as benign based on ACMG/AMP sequence variant interpretation guidelines (Richards et al. 2015 PMID: 25741868, with internal and published modifications).

NM_005324.5(H3-3B):c.99C>T (p.Thr33=)

Gene: H3-3B (H3.3 histone B; minus strand). Cytogenetic location: 17q25.1.
Variant type: single nucleotide variant.
Coding change: c.99C>T on transcript NM_005324.5 (MANE Select); coding-DNA position 99, C replaced by T.
Protein change: p.Thr33=; no amino-acid change (threonine 33 retained).
Molecular consequence: synonymous variant.
Genome position (GRCh38, 1-based): chr17:75,779,076, G>A on the plus strand (C>T on the coding strand, the complement: H3-3B is on the minus strand). VCF-style: chr17-75779076-G-A. GRCh37 (hg19) VCF-style: chr17-73775157-G-A.
Identifiers: ClinVar variation 4993546 (VCV004993546.1).